The following is an entry in ClinVar:

NM_058216.3(RAD51C):c.1103G>A (p.Arg368Gln)

Gene: RAD51C (RAD51 paralog C; plus strand). Cytogenetic location: 17q22.
Variant type: single nucleotide variant.
Coding change: c.1103G>A on transcript NM_058216.3 (MANE Select); coding-DNA position 1103, G replaced by A.
Protein change: p.Arg368Gln; replaces arginine 368 with glutamine.
Molecular consequence: missense variant. On other transcripts: non-coding transcript variant (1).
Genome position (GRCh38, 1-based): chr17:58,734,194, G>A. VCF-style: chr17-58734194-G-A. GRCh37 (hg19) VCF-style: chr17-56811555-G-A.
Other names: short protein forms R368Q.
Identifiers: ClinVar variation 478776 (VCV000478776.24), dbSNP rs1378390389, ClinGen allele CA400366502.

ClinVar aggregate classification (germline): Uncertain significance. Review status: criteria provided, multiple submitters, no conflicts (2 of 4 stars). 6 submissions from 6 submitters: Uncertain significance (6). Last evaluated 2025-08-05.

Conditions:
Hereditary cancer-predisposing syndrome. Also called: Tumor predisposition; Neoplastic Syndromes, Hereditary; Hereditary Cancer Syndrome; Hereditary neoplastic syndrome. Identifiers: Orphanet 140162, MedGen C0027672, MeSH D009386, MONDO:0015356.
Fanconi anemia complementation group O. Also called: RAD51C-Related Fanconi Anemia. Identifiers: Orphanet 84, MedGen C3150653, MONDO:0013248, OMIM 613390.
Breast-ovarian cancer, familial, susceptibility to, 3. Also called: RAD51C-Related Breast/Ovarian Cancer. Identifiers: Orphanet 145, MedGen C3150659, MONDO:0013253, OMIM 613399.

Allele frequency attached by ClinVar (database versions not stated): gnomAD below 0.00001 and 0.00001; gnomAD exomes 0.00001; TOPMed 0.00002.

Submissions (6):

Labcorp Genetics (formerly Invitae), Labcorp
Classification: Uncertain significance for Fanconi anemia complementation group O. Last evaluated: 2025-08-05. Review status: criteria provided, single submitter. Criteria: Invitae Variant Classification Sherloc (09022015). Collection method: clinical testing. Allele origin: germline.
Comment: This sequence change replaces arginine, which is basic and polar, with glutamine, which is neutral and polar, at codon 368 of the RAD51C protein (p.Arg368Gln). This variant is not present in population databases (gnomAD no frequency). This missense change has been observed in individual(s) with pancreatic cancer (PMID: 28726808). ClinVar contains an entry for this variant (Variation ID: 478776). An algorithm developed to predict the effect of missense changes on protein structure and function (PolyPhen-2) suggests that this variant is likely to be disruptive. In summary, the available evidence is currently insufficient to determine the role of this variant in disease. Therefore, it has been classified as a Variant of Uncertain Significance.

Ambry Genetics
Classification: Uncertain significance for Hereditary cancer-predisposing syndrome. Last evaluated: 2025-03-10. Review status: criteria provided, single submitter. Criteria: Ambry Variant Classification Scheme 2023. Collection method: clinical testing. Allele origin: germline.
Comment: The p.R368Q variant (also known as c.1103G>A), located in coding exon 9 of the RAD51C gene, results from a G to A substitution at nucleotide position 1103. The arginine at codon 368 is replaced by glutamine, an amino acid with highly similar properties. This alteration was identified 1/302 individuals with pancreatic cancer and a positive family history (Chaffee KG et al. Genet Med, 2018 01;20:119-127). This amino acid position is highly conserved in available vertebrate species. In addition, this alteration is predicted to be tolerated by in silico analysis. Since supporting evidence is limited at this time, the clinical significance of this alteration remains unclear.

KCCC/NGS Laboratory, Kuwait Cancer Control Center
Classification: Uncertain significance for Breast-ovarian cancer, familial, susceptibility to, 3. Last evaluated: 2025-02-06. Review status: criteria provided, single submitter. Criteria: ACMG Guidelines, 2015. Collection method: clinical testing. Allele origin: germline. Inheritance: Autosomal dominant inheritance. Affected: yes. Observed: 1 heterozygote.
Comment: This sequence change replaces arginine, which is basic and polar, with glutamine, which is neutral and polar, at codon 368 of the RAD51C protein (p.Arg368Gln).This amino acid position is highly conserved . This variant has not been reported in the literature in individuals affected with RAD51C-related conditions. This variant is not present in population databases (gnomAD no frequency). ClinVar contains an entry for this variant (Variation ID: 478776). In addition, this alteration is predicted to be tolerated by in silico analysis. In summary, the available evidence is currently insufficient to determine the role of this variant in disease. Therefore, it has been classified as a Variant of Uncertain Significance. Heterozygous pathogenic/likely pathogenic variants in the RAD51C gene are associated with hereditary breast/ovarian cancer (OMIM# 613399). homozygous or compound heterozygous pathogenic/likely pathogenic variants in the RAD51C gene are associated with autosomal recessive Fanconi Anemia (OMIM# 613390).

Baylor Genetics
Classification: Uncertain significance for Breast-ovarian cancer, familial, susceptibility to, 3. Last evaluated: 2023-11-29. Review status: criteria provided, single submitter. Criteria: ACMG Guidelines, 2015. Collection method: clinical testing. Allele origin: unknown.

Women's Health and Genetics/Laboratory Corporation of America, LabCorp
Classification: Uncertain significance. Last evaluated: 2021-09-20. Review status: criteria provided, single submitter. Criteria: LabCorp Variant Classification Summary - May 2015. Collection method: clinical testing. Allele origin: germline.
Comment: Variant summary: RAD51C c.1103G>A (p.Arg368Gln) results in a conservative amino acid change in the encoded protein sequence. Three of five in-silico tools predict a damaging effect of the variant on protein function. The variant was absent in 249298 control chromosomes. The available data on variant occurrences in the general population are insufficient to allow any conclusion about variant significance. c.1103G>A has been reported in the literature as a VUS in settings of multigene cancer panel testing in at-least one individual affected with pancreatic cancer (example, Chaffee_2018). These report(s) do not provide unequivocal conclusions about association of the variant with Hereditary Breast And Ovarian Cancer Syndrome. To our knowledge, no experimental evidence demonstrating an impact on protein function has been reported. Three clinical diagnostic laboratories have submitted clinical-significance assessments for this variant to ClinVar after 2014 without evidence for independent evaluation. All laboratories classified the variant as uncertain significance. Based on the evidence outlined above, the variant was classified as uncertain significance.

Color Diagnostics, LLC DBA Color Health
Classification: Uncertain significance for Hereditary cancer-predisposing syndrome. Last evaluated: 2020-11-18. Review status: criteria provided, single submitter. Criteria: ACMG Guidelines, 2015. Collection method: clinical testing. Allele origin: germline.
Comment: This missense variant replaces arginine with glutamine at codon 368 of the RAD51C protein. Computational prediction suggests that this variant may not impact protein structure and function (internally defined REVEL score threshold <= 0.5, PMID: 27666373). To our knowledge, functional studies have not been reported for this variant. This variant has not been reported in individuals affected with RAD51C-related hereditary cancer in the literature. This variant has not been identified in the general population by the Genome Aggregation Database (gnomAD). The available evidence is insufficient to determine the role of this variant in disease conclusively. Therefore, this variant is classified as a Variant of Uncertain Significance.

Literature cited by the submitters: PubMed 28726808 (cited by 3 submitters).